The following is an entry in ClinVar:

NM_001270508.2(TNFAIP3):c.487-3T>C

Genes: TNFAIP3 (TNF alpha induced protein 3; plus strand), LOC126859807 (MED14-independent group 3 enhancer GRCh37_chr6:138196296-138197495; plus strand). Cytogenetic location: 6q23.3.
Variant type: single nucleotide variant.
Coding change: c.487-3T>C on transcript NM_001270508.2 (MANE Select); 3 bases into the intron before coding-DNA position 487, T replaced by C.
Molecular consequence: intron variant.
Genome position (GRCh38, 1-based): chr6:137,875,685, T>C. VCF-style: chr6-137875685-T-C. GRCh37 (hg19) VCF-style: chr6-138196822-T-C.
Other names: c.487-3T>C (NM_001270507.2, NM_006290.4).
Identifiers: ClinVar variation 2851754 (VCV002851754.3), dbSNP rs745752476, ClinGen allele CA4019452.

ClinVar aggregate classification (germline): Uncertain significance (1 of 4 stars; one submission).

Allele frequency attached by ClinVar (database versions not stated): gnomAD exomes below 0.00001; TOPMed below 0.00001; ExAC 0.00001; gnomAD 0.00001.
gnomAD v4.1: 6 of 1,613,992 alleles (0.00037%); highest among the groups gnomAD compares: South Asian, 0.0055%; no homozygotes.

Submission:

Labcorp Genetics (formerly Invitae), Labcorp
Classification: Uncertain significance. Last evaluated: 2023-04-03. Review status: criteria provided, single submitter. Criteria: Invitae Variant Classification Sherloc (09022015). Collection method: clinical testing. Allele origin: germline.
Comment: This variant is present in population databases (rs745752476, gnomAD 0.01%). This sequence change falls in intron 3 of the TNFAIP3 gene. It does not directly change the encoded amino acid sequence of the TNFAIP3 protein. It affects a nucleotide within the consensus splice site. This variant has not been reported in the literature in individuals affected with TNFAIP3-related conditions. Variants that disrupt the consensus splice site are a relatively common cause of aberrant splicing (PMID: 17576681, 9536098). Algorithms developed to predict the effect of sequence changes on RNA splicing suggest that this variant is not likely to affect RNA splicing. In summary, the available evidence is currently insufficient to determine the role of this variant in disease. Therefore, it has been classified as a Variant of Uncertain Significance.

Literature cited by the submitters: PubMed 17576681; PubMed 9536098.